The following is an entry in ClinVar:

NM_000535.7(PMS2):c.1558G>A (p.Ala520Thr)

Gene: PMS2 (PMS1 homolog 2, mismatch repair system component; minus strand). Cytogenetic location: 7p22.1.
Variant type: single nucleotide variant.
Coding change: c.1558G>A on transcript NM_000535.7 (MANE Select); coding-DNA position 1558, G replaced by A.
Protein change: p.Ala520Thr; replaces alanine 520 with threonine.
Molecular consequence: missense variant. On other transcripts: non-coding transcript variant (1).
Genome position (GRCh38, 1-based): chr7:5,987,207, C>T on the plus strand (G>A on the coding strand, the complement: PMS2 is on the minus strand). VCF-style: chr7-5987207-C-T. GRCh37 (hg19) VCF-style: chr7-6026838-C-T.
Other names: c.1153G>A, p.Ala385Thr (NM_001322003.2, NM_001322004.2, NM_001322005.2 and 1 more transcripts); c.1402G>A, p.Ala468Thr (NM_001322006.2); c.1240G>A, p.Ala414Thr (NM_001322007.2, NM_001322008.2); c.997G>A, p.Ala333Thr (NM_001322010.2); c.625G>A, p.Ala209Thr (NM_001322011.2, NM_001322012.2); c.985G>A, p.Ala329Thr (NM_001322013.2); c.1558G>A, p.Ala520Thr (NM_001322014.2); c.1249G>A, p.Ala417Thr (NM_001322015.2); short protein forms A520T, A385T, A417T, A329T, A414T, A209T, A333T, A468T.
Identifiers: ClinVar variation 525743 (VCV000525743.8), dbSNP rs1554297573, ClinGen allele CA366741592.

ClinVar aggregate classification (germline): Uncertain significance (1 of 4 stars; one submission).

Conditions:
Hereditary nonpolyposis colorectal neoplasms. Identifiers: MedGen C0009405, MeSH D003123.

Submission:

Labcorp Genetics (formerly Invitae), Labcorp
Classification: Uncertain significance for Hereditary nonpolyposis colorectal neoplasms. Last evaluated: 2017-10-01. Review status: criteria provided, single submitter. Criteria: Invitae Variant Classification Sherloc (09022015). Collection method: clinical testing. Allele origin: germline.
Comment: This variant is not present in population databases (ExAC no frequency). In summary, the available evidence is currently insufficient to determine the role of this variant in disease. Therefore, it has been classified as a Variant of Uncertain Significance. Algorithms developed to predict the effect of missense changes on protein structure and function output the following: SIFT: "Tolerated"; PolyPhen-2: "Benign"; Align-GVGD: "Class C0". The threonine amino acid residue is found in multiple mammalian species, suggesting that this missense change does not adversely affect protein function. These predictions have not been confirmed by published functional studies and their clinical significance is uncertain. This variant has not been reported in the literature in individuals with PMS2-related disease. This sequence change replaces alanine with threonine at codon 520 of the PMS2 protein (p.Ala520Thr). The alanine residue is weakly conserved and there is a small physicochemical difference between alanine and threonine.